The following is an entry in ClinVar:

ClinVar aggregate classification (germline): Uncertain significance. Review status: criteria provided, multiple submitters, no conflicts (2 of 4 stars). 3 submissions from 3 submitters: Uncertain significance (2). 1 of the submissions does not count toward it. Last evaluated 2024-12-03.

Conditions:
Inborn genetic diseases. Identifiers: MedGen C0950123, MeSH D030342.
Ornithine aminotransferase deficiency (GACR). Also called: OAT DEFICIENCY; OKT DEFICIENCY; Ornithine ketoacid aminotransferase deficiency; Gyrate atrophy; Gyrate atrophy of choroid and retina; Girate atrophy of the retina. Identifiers: Orphanet 414, MedGen C0018425, MONDO:0009796, OMIM 258870.

Allele frequency attached by ClinVar (database versions not stated): ExAC 0.00002; gnomAD exomes 0.00002 and 0.00003; gnomAD 0.00013; ESP Exome Variant Server 0.00015; TOPMed 0.00016.
gnomAD v4.1: 43 of 1,613,902 alleles (0.0027%); highest among the groups gnomAD compares: African/African-American, 0.049%; no homozygotes.

Submissions (3):

Labcorp Genetics (formerly Invitae), Labcorp
Classification: Uncertain significance for Ornithine aminotransferase deficiency. Last evaluated: 2024-12-03. Review status: criteria provided, single submitter. Criteria: Invitae Variant Classification Sherloc (09022015). Collection method: clinical testing. Allele origin: germline.
Comment: This sequence change replaces leucine, which is neutral and non-polar, with phenylalanine, which is neutral and non-polar, at codon 182 of the OAT protein (p.Leu182Phe). This variant is present in population databases (rs144763058, gnomAD 0.03%). This variant has not been reported in the literature in individuals affected with OAT-related conditions. ClinVar contains an entry for this variant (Variation ID: 972371). Invitae Evidence Modeling of protein sequence and biophysical properties (such as structural, functional, and spatial information, amino acid conservation, physicochemical variation, residue mobility, and thermodynamic stability) indicates that this missense variant is not expected to disrupt OAT protein function with a negative predictive value of 80%. In summary, the available evidence is currently insufficient to determine the role of this variant in disease. Therefore, it has been classified as a Variant of Uncertain Significance.

Ambry Genetics
Classification: Uncertain significance for Inborn genetic diseases. Last evaluated: 2024-11-26. Review status: criteria provided, single submitter. Criteria: Ambry Variant Classification Scheme 2023. Collection method: clinical testing. Allele origin: germline.

Natera, Inc.
Classification: Uncertain significance for Gyrate atrophy. Last evaluated: 2020-04-11. Review status: no assertion criteria provided. Collection method: clinical testing. Allele origin: germline. Not counted in ClinVar's aggregate classification.

NM_000274.4(OAT):c.546G>T (p.Leu182Phe)

Gene: OAT (ornithine aminotransferase; minus strand). Cytogenetic location: 10q26.13.
Variant type: single nucleotide variant.
Coding change: c.546G>T on transcript NM_000274.4 (MANE Select); coding-DNA position 546, G replaced by T.
Protein change: p.Leu182Phe; replaces leucine 182 with phenylalanine.
Molecular consequence: missense variant. On other transcripts: 5 prime UTR variant (1).
Genome position (GRCh38, 1-based): chr10:124,405,538, C>A on the plus strand (G>T on the coding strand, the complement: OAT is on the minus strand). VCF-style: chr10-124405538-C-A. GRCh37 (hg19) VCF-style: chr10-126094107-C-A.
Other names: c.132G>T, p.Leu44Phe (NM_001171814.2); c.546G>T, p.Leu182Phe (NM_001322965.2, NM_001322966.2, NM_001322967.2 and 3 more transcripts); c.225G>T, p.Leu75Phe (NM_001322971.2); c.-55G>T (NM_001322974.2); short protein forms L182F, L75F, L44F.
Identifiers: ClinVar variation 972371 (VCV000972371.7), dbSNP rs144763058, ClinGen allele CA5733498.